The following is an entry in ClinVar:

ClinVar aggregate classification (germline): Conflicting classifications of pathogenicity. Review status: criteria provided, conflicting classifications (1 of 4 stars). 6 submissions from 6 submitters: Uncertain significance (1); Likely benign (5). Last evaluated 2025-10-15.

Conditions:
Familial infantile myoclonic epilepsy (FIME). Also called: TBC1D24-Related Familial Infantile Myoclonic Epilepsy (FIME); Epilepsy, Myoclonic, Infantile. Identifiers: Orphanet 352582, MedGen C0917800, MONDO:0011506, OMIM 605021.
Developmental and epileptic encephalopathy, 1 (DEE1). Also called: OHTAHARA SYNDROME, X-LINKED; X-linked infantile spasms; West's syndrome; Tonic spasms with clustering, arrest of psychomotor development and hypsarrhythmia on EEG; X-Linked Infantile Spasm Syndrome; Epileptic encephalopathy, early infantile, 1. Identifiers: MedGen C3463992, MONDO:0010632, OMIM 308350. Disease mechanism: loss of function.
Autosomal dominant nonsyndromic hearing loss 65. Also called: TBC1D24-Related Autosomal Dominant Nonsyndromic Hearing Loss (DFNA); Deafness, autosomal dominant 65. Identifiers: Orphanet 90635, MedGen C3892048, MONDO:0014470, OMIM 616044.

Allele frequency attached by ClinVar (database versions not stated): TOPMed 0.00010; ESP Exome Variant Server 0.00016; gnomAD 0.00016.
gnomAD v4.1: 54 of 1,612,226 alleles (0.0033%); highest among the groups gnomAD compares: Non-Finnish European, 0.0044%; no homozygotes.

Submissions (6):

Women's Health and Genetics/Laboratory Corporation of America, LabCorp
Classification: Likely benign. Last evaluated: 2025-10-15. Review status: criteria provided, single submitter. Criteria: LabCorp Variant Classification Summary - May 2015. Collection method: clinical testing. Allele origin: germline.

Labcorp Genetics (formerly Invitae), Labcorp
Classification: Likely benign for Developmental and epileptic encephalopathy, 1; Autosomal dominant nonsyndromic hearing loss 65. Last evaluated: 2025-08-12. Review status: criteria provided, single submitter. Criteria: Invitae Variant Classification Sherloc (09022015). Collection method: clinical testing. Allele origin: germline.

CeGaT Center for Human Genetics Tuebingen
Classification: Likely benign. Last evaluated: 2025-04-01. Review status: criteria provided, single submitter. Criteria: CeGaT Center For Human Genetics Tuebingen Variant Classification Criteria Version 2. Collection method: clinical testing. Allele origin: germline. Affected: yes. Observed: 3 variant alleles.
Comment: TBC1D24: BP4, BP7

Blueprint Genetics
Classification: Likely benign. Last evaluated: 2024-09-11. Review status: criteria provided, single submitter. Criteria: ACMG Guidelines, 2015. Collection method: clinical testing. Allele origin: germline.

Illumina Laboratory Services, Illumina
Classification: Uncertain significance for Familial infantile myoclonic epilepsy. Last evaluated: 2018-01-13. Review status: criteria provided, single submitter. Criteria: ICSL Variant Classification Criteria 13 December 2019. Collection method: clinical testing. Allele origin: germline.

GeneDx
Classification: Likely benign. Last evaluated: 2015-10-29. Review status: criteria provided, single submitter. Criteria: GeneDx Variant Classification (06012015). Collection method: clinical testing. Allele origin: germline. Affected: yes.
Comment: This variant is considered likely benign or benign based on one or more of the following criteria: it is a conservative change, it occurs at a poorly conserved position in the protein, it is predicted to be benign by multiple in silico algorithms, and/or has population frequency not consistent with disease.

NM_001199107.2(TBC1D24):c.492C>G (p.Pro164=)

Gene: TBC1D24 (TBC1 domain family member 24; plus strand). Cytogenetic location: 16p13.3.
Variant type: single nucleotide variant.
Coding change: c.492C>G on transcript NM_001199107.2 (MANE Select); coding-DNA position 492, C replaced by G.
Protein change: p.Pro164=; no amino-acid change (proline 164 retained).
Molecular consequence: synonymous variant.
Genome position (GRCh38, 1-based): chr16:2,496,640, C>G. VCF-style: chr16-2496640-C-G. GRCh37 (hg19) VCF-style: chr16-2546641-C-G.
Other names: c.492C>G, p.Pro164= (NM_020705.3).
Identifiers: ClinVar variation 381257 (VCV000381257.41), dbSNP rs369172908, ClinGen allele CA7844012.